The following is an entry in ClinVar:

ClinVar aggregate classification (germline): Pathogenic (0 of 4 stars; one submission).

Conditions:
Autosomal dominant nonsyndromic hearing loss 15 (DFNA15). Also called: DEAFNESS, AUTOSOMAL DOMINANT 52; Autosomal dominant nonsyndromic hearing loss 52. Identifiers: Orphanet 90635, MedGen C1865366, MONDO:0011226, OMIM 602459.

Submission:

Young Lab, Memorial University
Classification: Pathogenic for Autosomal dominant nonsyndromic hearing loss 15. Last evaluated: 2022-07-28. Review status: no assertion criteria provided. Collection method: research. Allele origin: germline. Inheritance: Autosomal dominant inheritance. Affected: yes and no. Observed: 20 variant alleles, 20 heterozygotes. Clinical features observed: Progressive sensorineural hearing impairment (HP:0000408), Bilateral sensorineural hearing impairment (HP:0008619).
Comment: The c.37del variant in POU4F3 has been identified in a seven generation kindred with variable, progressive autosomal dominant hearing loss, and segregated with disease. Based on the experimental evidence, we classified POU4F3 c.37del as pathogenic, meeting both conservative (PVS1, PM2, PP1_moderate, and PP3) and less conservative (PVS1, PM2, PP1_strong, and PP3) criteria according to the American College of Medical Genetics and Genomics.

NM_002700.3(POU4F3):c.37del (p.His13fs)

Genes: RBM27-POU4F3 (RBM27-POU4F3 readthrough; plus strand), POU4F3 (POU class 4 homeobox 3; plus strand). Cytogenetic location: 5q32.
Variant type: Deletion.
Coding change: c.37del on transcript NM_002700.3 (MANE Select); coding-DNA position 37, one base deleted (C; older notation c.37delC).
Protein change: p.His13fs; shifts the reading frame from histidine 13.
Molecular consequence: frameshift variant.
Genome position (GRCh38, 1-based): chr5:146,339,149, C deleted. VCF-style (leftmost placement, unchanged base first): chr5-146339148-GC-G. GRCh37 (hg19) VCF-style: chr5-145718711-GC-G.
Other names: short protein forms H13fs.
Identifiers: ClinVar variation 1699941 (VCV001699941.6), dbSNP rs2479690433, ClinGen allele CA2580073014.
Genomic context (GRCh38, chr5:146,339,148, plus strand): 5'-CTGCCACCCTGCCAGGAGCGCGAAGATGATGGCCATGAACTCCAAGCAGCCTTTCGGCAT[GC>G]ACCCGGTGCTGCAAGAACCCAAATTCTCCAGTCTGCACTCTGGCTCCGAGGCCATGCGCC-3'